The following is an entry in ClinVar:

NM_001323289.2(CDKL5):c.1670C>T (p.Ser557Leu)

Gene: CDKL5 (cyclin dependent kinase like 5; plus strand). Cytogenetic location: Xp22.13.
Variant type: single nucleotide variant.
Coding change: c.1670C>T on transcript NM_001323289.2 (MANE Select); coding-DNA position 1670, C replaced by T.
Protein change: p.Ser557Leu; replaces serine 557 with leucine.
Molecular consequence: missense variant.
Genome position (GRCh38, 1-based): chrX:18,604,594, C>T. VCF-style: chrX-18604594-C-T. GRCh37 (hg19) VCF-style: chrX-18622714-C-T.
Other names: c.1670C>T, p.Ser557Leu (NM_001037343.2, NM_003159.3); short protein forms S557L.
Identifiers: ClinVar variation 4070778 (VCV004070778.3).
Genomic context (GRCh38, chrX:18,604,594, plus strand): 5'-ACACGAGAACTTTGCTCAGCCCTTCTGGAAGAAATAACCGAAATGAGGGAACGCTGGACT[C>T]ACGTCGAACCACAACCAGACATTCTAAGACGATGGAGGAATTGAAGCTGCCGGAGCACAT-3'
Protein context (NP_001310218.1, residues 547-567): RNNRNEGTLD[Ser557Leu]RRTTTRHSKT

ClinVar aggregate classification (germline): Uncertain significance. Review status: criteria provided, multiple submitters, no conflicts (2 of 4 stars). 2 submissions from 2 submitters: Uncertain significance (2). Last evaluated 2026-05-20.

Conditions:
Developmental and epileptic encephalopathy, 2 (DEE2). Also called: INFANTILE SPASM SYNDROME, X-LINKED 2; CDKL5 deficiency disorder. Identifiers: Orphanet 1934, Orphanet 3451, Orphanet 505652, MedGen C4750718, MONDO:0010396, OMIM 300672.
Angelman syndrome-like. Identifiers: MedGen CN128785.

Submissions (2):

GeneDx
Classification: Uncertain significance. Last evaluated: 2026-05-20. Review status: criteria provided, single submitter. Criteria: GeneDx Variant Classification Process June 2021. Collection method: clinical testing. Allele origin: germline.
Comment: Not observed at significant frequency in large population cohorts (gnomAD); In silico analysis supports that this missense variant has a deleterious effect on protein structure/function; Has not been previously published as pathogenic or benign to our knowledge

Labcorp Genetics (formerly Invitae), Labcorp
Classification: Uncertain significance for Developmental and epileptic encephalopathy, 2; Angelman syndrome-like. Last evaluated: 2026-01-16. Review status: criteria provided, single submitter. Criteria: Invitae Variant Classification Sherloc (09022015). Collection method: clinical testing. Allele origin: germline.
Comment: This sequence change replaces serine, which is neutral and polar, with leucine, which is neutral and non-polar, at codon 557 of the CDKL5 protein (p.Ser557Leu). This variant is not present in population databases (gnomAD no frequency). This variant has not been reported in the literature in individuals affected with CDKL5-related conditions. ClinVar contains an entry for this variant (Variation ID: 4070778). Invitae Evidence Modeling of protein sequence and biophysical properties (such as structural, functional, and spatial information, amino acid conservation, physicochemical variation, residue mobility, and thermodynamic stability) has been performed for this missense variant. However, the output from this modeling did not meet the statistical confidence thresholds required to predict the impact of this variant on CDKL5 protein function. In summary, the available evidence is currently insufficient to determine the role of this variant in disease. Therefore, it has been classified as a Variant of Uncertain Significance.